The following is an entry in ClinVar:

ClinVar aggregate classification (germline): Uncertain significance (1 of 4 stars; one submission).

Conditions:
Ritscher-Schinzel syndrome. Also called: CRANIOCEREBELLOCARDIAC DYSPLASIA. Identifiers: Orphanet 7, MedGen C0796137, MONDO:0019078.
Hereditary spastic paraplegia 8 (SPG8). Also called: SPASTIC PARAPLEGIA 8, AUTOSOMAL DOMINANT. Identifiers: Orphanet 100989, MedGen C1863704, MONDO:0011339, OMIM 603563.

Submission:

Labcorp Genetics (formerly Invitae), Labcorp
Classification: Uncertain significance for Ritscher-Schinzel syndrome; Hereditary spastic paraplegia 8. Last evaluated: 2024-10-25. Review status: criteria provided, single submitter. Criteria: Invitae Variant Classification Sherloc (09022015). Collection method: clinical testing. Allele origin: germline.
Comment: This sequence change replaces glycine, which is neutral and non-polar, with serine, which is neutral and polar, at codon 63 of the WASHC5 protein (p.Gly63Ser). This variant is present in population databases (rs755857918, gnomAD 0.003%). This variant has not been reported in the literature in individuals affected with WASHC5-related conditions. An algorithm developed to predict the effect of missense changes on protein structure and function (PolyPhen-2) suggests that this variant is likely to be tolerated. In summary, the available evidence is currently insufficient to determine the role of this variant in disease. Therefore, it has been classified as a Variant of Uncertain Significance.

NM_014846.4(WASHC5):c.187G>A (p.Gly63Ser)

Gene: WASHC5 (WASH complex subunit 5; minus strand). Cytogenetic location: 8q24.13.
Variant type: single nucleotide variant.
Coding change: c.187G>A on transcript NM_014846.4 (MANE Select); coding-DNA position 187, G replaced by A.
Protein change: p.Gly63Ser; replaces glycine 63 with serine.
Molecular consequence: missense variant. On other transcripts: 5 prime UTR variant (1).
Genome position (GRCh38, 1-based): chr8:125,083,258, C>T on the plus strand (G>A on the coding strand, the complement: WASHC5 is on the minus strand). VCF-style: chr8-125083258-C-T. GRCh37 (hg19) VCF-style: chr8-126095500-C-T.
Other names: c.-258G>A (NM_001330609.2); short protein forms G63S.
Identifiers: ClinVar variation 3757733 (VCV003757733.2).